The following is an entry in ClinVar:

ClinVar aggregate classification (germline): Likely benign (1 of 4 stars; one submission).

Allele frequency attached by ClinVar (database versions not stated): 1000 Genomes Project 30x 0.00609; 1000 Genomes Project 0.00659; gnomAD 0.00710 and 0.00778; TOPMed 0.00826.
gnomAD v4.1: 1,074 of 152,300 alleles (0.71%); highest among the groups gnomAD compares: African/African-American, 2.4%; 11 homozygotes.

Submission:

GeneDx
Classification: Likely benign. Last evaluated: 2018-06-17. Review status: criteria provided, single submitter. Criteria: GeneDx Variant Classification (06012015). Collection method: clinical testing. Allele origin: germline. Affected: yes.
Comment: This variant is considered likely benign or benign based on one or more of the following criteria: it is a conservative change, it occurs at a poorly conserved position in the protein, it is predicted to be benign by multiple in silico algorithms, and/or has population frequency not consistent with disease.

NM_000136.3(FANCC):c.897-234A>G

Genes: AOPEP (aminopeptidase O (putative); plus strand), FANCC (FA complementation group C; minus strand). Cytogenetic location: 9q22.32.
Variant type: single nucleotide variant.
Coding change: c.897-234A>G on transcript NM_000136.3 (MANE Select); 234 bases into the intron before coding-DNA position 897, A replaced by G.
Molecular consequence: intron variant.
Genome position (GRCh38, 1-based): chr9:95,125,419, T>C on the plus strand (A>G on the coding strand, the complement: FANCC is on the minus strand). VCF-style: chr9-95125419-T-C. GRCh37 (hg19) VCF-style: chr9-97887701-T-C.
Other names: c.897-234A>G (NM_001243743.2, NM_001243744.2).
Identifiers: ClinVar variation 679755 (VCV000679755.1), dbSNP rs56140833, ClinGen allele CA196556308.
Genomic context (GRCh38, chr9:95,125,419, plus strand): 5'-CTGTTATATTTTCTTTAAAATTGCAACGTGCAGAGCTCTCTTTCTTGGTTCTTAAATTAT[T>C]AAGCAATGCAAATCCCTTCCACACAGGCTTGCATACTCTGTACAAATATTTTTGTATTGT-3'